The following is an entry in ClinVar:

NM_000096.4(CP):c.3166G>A (p.Val1056Ile)

Gene: CP (ceruloplasmin; minus strand). Cytogenetic location: 3q24.
Variant type: single nucleotide variant.
Coding change: c.3166G>A on transcript NM_000096.4 (MANE Select); coding-DNA position 3166, G replaced by A.
Protein change: p.Val1056Ile; replaces valine 1056 with isoleucine.
Molecular consequence: missense variant.
Genome position (GRCh38, 1-based): chr3:149,176,265, C>T on the plus strand (G>A on the coding strand, the complement: CP is on the minus strand). VCF-style: chr3-149176265-C-T. GRCh37 (hg19) VCF-style: chr3-148894052-C-T.
Other names: short protein forms V1056I.
Identifiers: ClinVar variation 4540297 (VCV004540297.1).

ClinVar aggregate classification (germline): Uncertain significance (1 of 4 stars; one submission).

gnomAD v4.1: 15 of 1,612,038 alleles (0.00093%); highest among the groups gnomAD compares: East Asian, 0.0045%; no homozygotes.

Submission:

GeneDx
Classification: Uncertain significance. Last evaluated: 2025-06-24. Review status: criteria provided, single submitter. Criteria: GeneDx Variant Classification Process June 2021. Collection method: clinical testing. Allele origin: germline. Affected: yes.
Comment: Not observed at significant frequency in large population cohorts (gnomAD); In silico analysis suggests that this missense variant does not alter protein structure/function; Has not been previously published as pathogenic or benign to our knowledge